The following is an entry in ClinVar:

NM_007373.4(SHOC2):c.10A>G (p.Ser4Gly)

Gene: SHOC2 (SHOC2 leucine rich repeat scaffold protein; plus strand). Cytogenetic location: 10q25.2.
Variant type: single nucleotide variant.
Coding change: c.10A>G on transcript NM_007373.4 (MANE Select); coding-DNA position 10, A replaced by G.
Protein change: p.Ser4Gly; replaces serine 4 with glycine.
Molecular consequence: missense variant.
Genome position (GRCh38, 1-based): chr10:110,964,368, A>G. VCF-style: chr10-110964368-A-G. GRCh37 (hg19) VCF-style: chr10-112724126-A-G.
Other names: c.10A>G, p.Ser4Gly (NM_001269039.3, NM_001324336.2, NM_001324337.2); short protein forms S4G.
Identifiers: ClinVar variation 3662105 (VCV003662105.2).

ClinVar aggregate classification (germline): Uncertain significance (1 of 4 stars; one submission).

Conditions:
RASopathy. Also called: Noonan spectrum disorder; rasopathies. Identifiers: Orphanet 536391, MedGen C5555857, MONDO:0021060.

gnomAD v4.1: 2 of 1,613,184 alleles (0.00012%); highest among the groups gnomAD compares: Middle Eastern, 0.017%; no homozygotes.

Submission:

Labcorp Genetics (formerly Invitae), Labcorp
Classification: Uncertain significance for RASopathy. Last evaluated: 2024-08-12. Review status: criteria provided, single submitter. Criteria: Invitae Variant Classification Sherloc (09022015). Collection method: clinical testing. Allele origin: germline.
Comment: This sequence change replaces serine, which is neutral and polar, with glycine, which is neutral and non-polar, at codon 4 of the SHOC2 protein (p.Ser4Gly). This variant is not present in population databases (gnomAD no frequency). This variant has not been reported in the literature in individuals affected with SHOC2-related conditions. An algorithm developed to predict the effect of missense changes on protein structure and function (PolyPhen-2) suggests that this variant is likely to be tolerated. In summary, the available evidence is currently insufficient to determine the role of this variant in disease. Therefore, it has been classified as a Variant of Uncertain Significance.